The following is an entry in ClinVar:

NM_052865.4(MGME1):c.241C>A (p.Pro81Thr)

Genes: MGME1 (mitochondrial genome maintenance exonuclease 1; plus strand), LOC126862983 (CDK7 strongly-dependent group 2 enhancer GRCh37_chr20:17950167-17951366; plus strand). Cytogenetic location: 20p11.23.
Variant type: single nucleotide variant.
Coding change: c.241C>A on transcript NM_052865.4 (MANE Select); coding-DNA position 241, C replaced by A.
Protein change: p.Pro81Thr; replaces proline 81 with threonine.
Molecular consequence: missense variant.
Genome position (GRCh38, 1-based): chr20:17,970,100, C>A. VCF-style: chr20-17970100-C-A. GRCh37 (hg19) VCF-style: chr20-17950743-C-A.
Other names: c.241C>A, p.Pro81Thr (NM_001310338.2, NM_001310339.2, NM_001363738.2); short protein forms P81T.
Identifiers: ClinVar variation 4279673 (VCV004279673.1).

ClinVar aggregate classification (germline): Uncertain significance (1 of 4 stars; one submission).

Conditions:
Mitochondrial DNA depletion syndrome 11 (MTDPS11). Identifiers: Orphanet 352447, MedGen C3554462, MONDO:0014039, OMIM 615084.

Submission:

Daryl Scott Lab, Baylor College of Medicine
Classification: Uncertain significance for Mitochondrial DNA depletion syndrome 11. Review status: criteria provided, single submitter. Criteria: ACMG Guidelines, 2015. Collection method: clinical testing. Allele origin: maternal. Affected: yes. Observed: 1 heterozygote.
Comment: PM2, PP3